The following is an entry in ClinVar:

ClinVar aggregate classification (germline): Uncertain significance (1 of 4 stars; one submission).

Conditions:
Junctional epidermolysis bullosa with pyloric atresia. Also called: EPIDERMOLYSIS BULLOSA, JUNCTIONAL 5B, WITH PYLORIC ATRESIA; CARMI SYNDROME; APLASIA CUTIS CONGENITA WITH GASTROINTESTINAL ATRESIA; ITGB4-Related Epidermolysis Bullosa with Pyloric Atresia; ITGA6-Related Epidermolysis Bullosa with Pyloric Atresia; Junctional Epidermolysis Bullosa- Pyloric Atresia Syndrome. Identifiers: Orphanet 79403, MedGen C5676875, MONDO:0009183, OMIM 226730.

Allele frequency attached by ClinVar (database versions not stated): gnomAD exomes below 0.00001; TOPMed below 0.00001.
gnomAD v4.1: 2 of 1,602,070 alleles (0.00012%); highest among the groups gnomAD compares: Admixed American, 0.0017%; no homozygotes.

Submission:

MGZ Medical Genetics Center
Classification: Uncertain significance for Junctional epidermolysis bullosa with pyloric atresia. Last evaluated: 2022-04-25. Review status: criteria provided, single submitter. Criteria: ACMG Guidelines, 2015. Collection method: clinical testing. Allele origin: germline. Affected: yes. Observed: 2 variant alleles.
Comment: ACMG criteria applied: PM2_SUP, PP3, BS2

NM_000213.5(ITGB4):c.1889G>A (p.Arg630His)

Gene: ITGB4 (integrin subunit beta 4; plus strand). Cytogenetic location: 17q25.1.
Variant type: single nucleotide variant.
Coding change: c.1889G>A on transcript NM_000213.5 (MANE Select); coding-DNA position 1889, G replaced by A.
Protein change: p.Arg630His; replaces arginine 630 with histidine.
Molecular consequence: missense variant.
Genome position (GRCh38, 1-based): chr17:75,736,593, G>A. VCF-style: chr17-75736593-G-A. GRCh37 (hg19) VCF-style: chr17-73732674-G-A.
Other names: c.1889G>A, p.Arg630His (NM_001005619.2, NM_001005731.3, NM_001321123.2); short protein forms R630H.
Identifiers: ClinVar variation 1709466 (VCV001709466.2), dbSNP rs1004331955, ClinGen allele CA294065912.